The following is an entry in ClinVar:

ClinVar aggregate classification (germline): Uncertain significance (1 of 4 stars; one submission).

Conditions:
Early-infantile DEE. Also called: Early infantile epileptic encephalopathy with suppression bursts; Early infantile epileptic encephalopathy; Ohtahara syndrome. Identifiers: Orphanet 1934, MedGen C0393706, MONDO:0800491.

Submission:

Labcorp Genetics (formerly Invitae), Labcorp
Classification: Uncertain significance for Early-infantile DEE. Last evaluated: 2023-09-03. Review status: criteria provided, single submitter. Criteria: Invitae Variant Classification Sherloc (09022015). Collection method: clinical testing. Allele origin: germline.
Comment: In summary, the available evidence is currently insufficient to determine the role of this variant in disease. Therefore, it has been classified as a Variant of Uncertain Significance. This sequence change replaces glutamine, which is neutral and polar, with histidine, which is basic and polar, at codon 1042 of the SCN1A protein (p.Gln1042His). This variant is not present in population databases (gnomAD no frequency). This variant has not been reported in the literature in individuals affected with SCN1A-related conditions. Advanced modeling of protein sequence and biophysical properties (such as structural, functional, and spatial information, amino acid conservation, physicochemical variation, residue mobility, and thermodynamic stability) performed at Invitae indicates that this missense variant is not expected to disrupt SCN1A protein function.

NM_001165963.4(SCN1A):c.3126A>C (p.Gln1042His)

Genes: SCN1A (sodium voltage-gated channel alpha subunit 1; minus strand), LOC102724058 (uncharacterized LOC102724058; plus strand). Cytogenetic location: 2q24.3.
Variant type: single nucleotide variant.
Coding change: c.3126A>C on transcript NM_001165963.4 (MANE Select); coding-DNA position 3126, A replaced by C.
Protein change: p.Gln1042His; replaces glutamine 1042 with histidine.
Molecular consequence: missense variant. On other transcripts: non-coding transcript variant (2).
Genome position (GRCh38, 1-based): chr2:166,036,351, T>G on the plus strand (A>C on the coding strand, the complement: SCN1A is on the minus strand). VCF-style: chr2-166036351-T-G. GRCh37 (hg19) VCF-style: chr2-166892861-T-G.
Other names: c.3042A>C, p.Gln1014His (NM_001165964.3, NM_001353957.2, NM_001353958.2); c.3126A>C, p.Gln1042His (NM_001202435.3, NM_001353948.2); c.3093A>C, p.Gln1031His (NM_001353949.2, NM_001353950.2, NM_001353951.2 and 2 more transcripts); c.3090A>C, p.Gln1030His (NM_001353954.2, NM_001353955.2); c.3039A>C, p.Gln1013His (NM_001353960.2); c.684A>C, p.Gln228His (NM_001353961.2); short protein forms Q1014H, Q1030H, Q228H, Q1013H, Q1031H, Q1042H.
Identifiers: ClinVar variation 2743210 (VCV002743210.3), dbSNP rs2468079087, ClinGen allele CA349059884.
Genomic context (GRCh38, chr2:166,036,351, plus strand): 5'-CATACAACTGTCTTTCTTGTTGTTTAGATCATCAAGTGGTTTAATTTCATCTAAAATCTT[T>G]TGTTTCCTAATGAAGGACTGTTGAATAAATTCATATATTTTTCTTTTCACATAAGCTACT-3'
Protein context (NP_001159435.1, residues 1032-1052): EFIQQSFIRK[Gln1042His]KILDEIKPLD